The following is an entry in ClinVar:

NC_012920.1(MT-ND5):m.12851T>C

Gene: MT-ND5 (mitochondrially encoded NADH dehydrogenase 5; plus strand).
Variant type: single nucleotide variant.
Genome position: chrM-12851-T-C.
Identifiers: ClinVar variation 693491 (VCV000693491.1), dbSNP rs1603223938, ClinGen allele CA414815162.

ClinVar aggregate classification (germline): Uncertain significance (1 of 4 stars; one submission).

Conditions:
Leigh syndrome (NULS). Also called: Leigh's necrotizing encephalopathy; Leigh's disease; Leigh Syndrome (mtDNA deletion); Leigh Disease; Subacute necrotizing encephalopathy; Necrotizing encephalopathy infantile subacute of Leigh. Identifiers: Orphanet 506, MedGen C2931891, MONDO:0009723, OMIM 256000.

Submission:

Wong Mito Lab, Molecular and Human Genetics, Baylor College of Medicine
Classification: Uncertain significance for Leigh syndrome. Last evaluated: 2019-10-17. Review status: criteria provided, single submitter. Criteria: Modified ACMG Guidelines (Unpublished). Collection method: clinical testing. Allele origin: germline.
Comment: The NC_012920.1:m.12851T>C (YP_003024036.1:p.Ile172Thr) variant in MTND5 gene is interpretated to be a Uncertain Significance variant based on the modified ACMG guidelines (unpublished). This variant meets the following evidence codes: PP6, PP7